The following is an entry in ClinVar:

NM_020066.5(FMN2):c.3060T>C (p.Pro1020=)

Gene: FMN2 (formin 2; plus strand). Cytogenetic location: 1q43.
Variant type: single nucleotide variant.
Coding change: c.3060T>C on transcript NM_020066.5 (MANE Select); coding-DNA position 3060, T replaced by C.
Protein change: p.Pro1020=; no amino-acid change (proline 1020 retained).
Molecular consequence: synonymous variant. On other transcripts: intron variant (1).
Genome position (GRCh38, 1-based): chr1:240,207,872, T>C. VCF-style: chr1-240207872-T-C. GRCh37 (hg19) VCF-style: chr1-240371172-T-C.
Other names: c.3072T>C, p.Pro1024= (NM_001305424.2); c.1986+19610T>C (NM_001348094.2); c.3060T>C (NM_020066.4).
Identifiers: ClinVar variation 2640157 (VCV002640157.26), dbSNP rs762630179, ClinGen allele CA1477006.

ClinVar aggregate classification (germline): Likely benign. Review status: criteria provided, multiple submitters, no conflicts (2 of 4 stars). 3 submissions from 3 submitters: Likely benign (3). Last evaluated 2026-09-01.

Conditions:
FMN2-related disorder. Also called: FMN2-related condition.

Allele frequency attached by ClinVar (database versions not stated): ExAC 0.00002; gnomAD 0.00019.

Submissions (3):

CeGaT Center for Human Genetics Tuebingen
Classification: Likely benign. Last evaluated: 2026-09-01. Review status: criteria provided, single submitter. Criteria: CeGaT Center For Human Genetics Tuebingen Variant Classification Criteria Version 2. Collection method: clinical testing. Allele origin: germline. Affected: yes. Observed: 17 variant alleles.
Comment: FMN2: BP4, BP7

Blueprint Genetics
Classification: Likely benign. Last evaluated: 2024-11-21. Review status: criteria provided, single submitter. Criteria: ACMG Guidelines, 2015. Collection method: clinical testing. Allele origin: germline.

PreventionGenetics, part of Exact Sciences
Classification: Likely benign for FMN2-related condition. Last evaluated: 2020-11-27. Review status: criteria provided, single submitter. Criteria: ACMG Guidelines, 2015. Collection method: clinical testing. Allele origin: germline.
Comment: This variant is classified as likely benign based on ACMG/AMP sequence variant interpretation guidelines (Richards et al. 2015 PMID: 25741868, with internal and published modifications).